The following is an entry in ClinVar:

ClinVar aggregate classification (germline): Pathogenic (1 of 4 stars; one submission).

Submission:

ISCA site 4
Classification: Pathogenic. Last evaluated: 2011-08-12. Review status: criteria provided, single submitter. Criteria: Kaminsky et al. (Genet Med. 2011). Collection method: clinical testing. Allele origin: unknown. Affected: yes. Observed: 1 variant allele.
Comment: Copy number variation identified through the course of routine clinical cytogenomic testing in postnatal populations. Clinical assertions have been curated as described in Kaminsky et al. 2011.

GRCh38/hg38 7q31.33(chr7:126029439-126947804)x1

Genes: GRM8 (glutamate metabotropic receptor 8; minus strand), LOC126860169 (P300/CBP strongly-dependent group 1 enhancer GRCh37_chr7:126214200-126215399; plus strand), LOC126860170 (P300/CBP strongly-dependent group 1 enhancer GRCh37_chr7:126340799-126341998; plus strand), LOC129999230 (ATAC-STARR-seq lymphoblastoid active region 26574; plus strand), LOC129999231 (ATAC-STARR-seq lymphoblastoid active region 26575; plus strand) and 5 more. Cytogenetic location: 7q31.33.
Variant type: copy number loss.
Change: copy number 1 (one copy instead of two) of chr7:126,029,439-126,947,804 (918.4 kb, GRCh38 coordinates, 1-based), cytogenetic band 7q31.33.
Identifiers: ClinVar variation 57069 (VCV000057069.1).